The following is an entry in ClinVar:

NM_000264.5(PTCH1):c.1560C>T (p.His520=)

Gene: PTCH1 (patched 1; minus strand). Cytogenetic location: 9q22.32.
Variant type: single nucleotide variant.
Coding change: c.1560C>T on transcript NM_000264.5 (MANE Select); coding-DNA position 1560, C replaced by T.
Protein change: p.His520=; no amino-acid change (histidine 520 retained).
Molecular consequence: synonymous variant. On other transcripts: non-coding transcript variant (1).
Genome position (GRCh38, 1-based): chr9:95,476,801, G>A on the plus strand (C>T on the coding strand, the complement: PTCH1 is on the minus strand). VCF-style: chr9-95476801-G-A. GRCh37 (hg19) VCF-style: chr9-98239083-G-A.
Other names: c.1362C>T, p.His454= (NM_001083602.3); c.1557C>T, p.His519= (NM_001083603.3); c.1107C>T, p.His369= (NM_001083604.3, NM_001083605.3, NM_001083606.3 and 1 more transcripts); c.1404C>T, p.His468= (NM_001354918.2); c.1560C>T (NM_000264.4).
Identifiers: ClinVar variation 524612 (VCV000524612.21), dbSNP rs952270018, ClinGen allele CA196592827.

ClinVar aggregate classification (germline): Likely benign. Review status: criteria provided, multiple submitters, no conflicts (2 of 4 stars). 5 submissions from 5 submitters: Likely benign (5). Last evaluated 2025-12-29.

Conditions:
Gorlin syndrome. Also called: Nevoid Basal Cell Carcinoma Syndrome; Basal cell nevus syndrome. Identifiers: Orphanet 377, MedGen C0004779, MONDO:0007187.
Hereditary cancer-predisposing syndrome. Also called: Hereditary neoplastic syndrome; Hereditary Cancer Syndrome; Neoplastic Syndromes, Hereditary; Tumor predisposition. Identifiers: Orphanet 140162, MedGen C0027672, MeSH D009386, MONDO:0015356.
PTCH1-related disorder. Also called: PTCH1-related disorders; PTCH1-related condition.

Allele frequency attached by ClinVar (database versions not stated): gnomAD 0.00001; gnomAD exomes 0.00001 and 0.00002; TOPMed 0.00001.
gnomAD v4.1: 28 of 1,613,960 alleles (0.0017%); highest among the groups gnomAD compares: African/African-American, 0.0027%; no homozygotes.

Submissions (5):

Center for Genomic Medicine, Rigshospitalet, Copenhagen University Hospital
Classification: Likely benign. Last evaluated: 2025-12-29. Review status: criteria provided, single submitter. Criteria: ACMG Guidelines, 2015. Collection method: clinical testing. Allele origin: germline.

Labcorp Genetics (formerly Invitae), Labcorp
Classification: Likely benign for Gorlin syndrome. Last evaluated: 2025-10-22. Review status: criteria provided, single submitter. Criteria: Invitae Variant Classification Sherloc (09022015). Collection method: clinical testing. Allele origin: germline.

PreventionGenetics, part of Exact Sciences
Classification: Likely benign for PTCH1-related condition. Last evaluated: 2025-03-04. Review status: criteria provided, single submitter. Criteria: ACMG Guidelines, 2015. Collection method: clinical testing. Allele origin: germline.
Comment: This variant is classified as likely benign based on ACMG/AMP sequence variant interpretation guidelines (Richards et al. 2015 PMID: 25741868, with internal and published modifications).

Quest Diagnostics Nichols Institute San Juan Capistrano
Classification: Likely benign. Last evaluated: 2022-09-21. Review status: criteria provided, single submitter. Criteria: Quest Diagnostics criteria. Collection method: clinical testing. Allele origin: unknown.

Ambry Genetics
Classification: Likely benign for Hereditary cancer-predisposing syndrome. Last evaluated: 2020-06-12. Review status: criteria provided, single submitter. Criteria: Ambry Variant Classification Scheme 2023. Collection method: clinical testing. Allele origin: germline.